The following is an entry in ClinVar:

NM_003982.4(SLC7A7):c.602C>T (p.Ala201Val)

Gene: SLC7A7 (solute carrier family 7 member 7; minus strand). Cytogenetic location: 14q11.2.
Variant type: single nucleotide variant.
Coding change: c.602C>T on transcript NM_003982.4 (MANE Select); coding-DNA position 602, C replaced by T.
Protein change: p.Ala201Val; replaces alanine 201 with valine.
Molecular consequence: missense variant.
Genome position (GRCh38, 1-based): chr14:22,779,949, G>A on the plus strand (C>T on the coding strand, the complement: SLC7A7 is on the minus strand). VCF-style: chr14-22779949-G-A. GRCh37 (hg19) VCF-style: chr14-23249158-G-A.
Other names: c.602C>T, p.Ala201Val (NM_001126105.3, NM_001126106.4); short protein forms A201V.
Identifiers: ClinVar variation 857420 (VCV000857420.6), dbSNP rs1240082554, ClinGen allele CA388924235.

ClinVar aggregate classification (germline): Uncertain significance (1 of 4 stars; one submission).

Conditions:
Lysinuric protein intolerance (LPI). Identifiers: Orphanet 470, MedGen C0268647, MONDO:0009109, OMIM 222700.

Allele frequency attached by ClinVar (database versions not stated): gnomAD exomes below 0.00001 and 0.00001.

Submission:

Labcorp Genetics (formerly Invitae), Labcorp
Classification: Uncertain significance for Lysinuric protein intolerance. Last evaluated: 2021-09-01. Review status: criteria provided, single submitter. Criteria: Invitae Variant Classification Sherloc (09022015). Collection method: clinical testing. Allele origin: germline.
Comment: This sequence change replaces alanine with valine at codon 201 of the SLC7A7 protein (p.Ala201Val). The alanine residue is moderately conserved and there is a small physicochemical difference between alanine and valine. This variant is not present in population databases (ExAC no frequency). This variant has not been reported in the literature in individuals affected with SLC7A7-related conditions. Algorithms developed to predict the effect of missense changes on protein structure and function (SIFT, PolyPhen-2, Align-GVGD) all suggest that this variant is likely to be tolerated. In summary, the available evidence is currently insufficient to determine the role of this variant in disease. Therefore, it has been classified as a Variant of Uncertain Significance.